The following is an entry in ClinVar:

ClinVar aggregate classification (germline): Conflicting classifications of pathogenicity. Review status: criteria provided, conflicting classifications (1 of 4 stars). 2 submissions from 1 submitter: Uncertain significance (1); Benign (1). Last evaluated 2018-01-13.

Conditions:
3-Methylglutaconic aciduria type 3 (MGCA3). Also called: OPA3, AUTOSOMAL RECESSIVE; OPTIC ATROPHY 3, AUTOSOMAL RECESSIVE; Costeff Syndrome; OPA3-Related 3-Methylglutaconic Aciduria. Identifiers: Orphanet 67047, MedGen C0574084, MONDO:0009787, OMIM 258501.
Optic atrophy 3 (OPA3). Also called: OPTIC ATROPHY 3, AUTOSOMAL DOMINANT; Optic atrophy, cataract, and neurologic disorder; Optic atrophy 3 with cataract. Identifiers: Orphanet 67036, MedGen C1833809, MONDO:0008133, OMIM 165300.

Allele frequency attached by ClinVar (database versions not stated): 1000 Genomes Project 30x 0.00031; 1000 Genomes Project 0.00040; gnomAD 0.00094 and 0.00096; TOPMed 0.00104; gnomAD exomes 0.00133.
gnomAD v4.1: 1,244 of 979,316 alleles (0.13%); highest among the groups gnomAD compares: Non-Finnish European, 0.14%; 1 homozygote.

Submissions (2):

Illumina Laboratory Services, Illumina
Classification: Uncertain significance for 3-Methylglutaconic aciduria type 3. Last evaluated: 2018-01-13. Review status: criteria provided, single submitter. Criteria: ICSL Variant Classification Criteria 13 December 2019. Collection method: clinical testing. Allele origin: germline.

Illumina Laboratory Services, Illumina
Classification: Benign for Optic atrophy 3. Last evaluated: 2018-01-13. Review status: criteria provided, single submitter. Criteria: ICSL Variant Classification Criteria 13 December 2019. Collection method: clinical testing. Allele origin: germline.
Comment: This variant was observed in the ICSL laboratory as part of a predisposition screen in an ostensibly healthy population. It had not been previously curated by ICSL or reported in the Human Gene Mutation Database (HGMD: prior to June 1st, 2018), and was therefore a candidate for classification through an automated scoring system. Utilizing variant allele frequency, disease prevalence and penetrance estimates, and inheritance mode, an automated score was calculated to assess if this variant is too frequent to cause the disease. Based on the score and internal cut-off values, a variant classified as benign is not then subjected to further curation. The score for this variant resulted in a classification of benign for this disease.

NM_025136.4(OPA3):c.*2518A>G

Genes: OPA3-RTN2 (OPA3-RTN2 readthrough; minus strand), OPA3 (outer mitochondrial membrane lipid metabolism regulator OPA3; minus strand). Cytogenetic location: 19q13.32.
Variant type: single nucleotide variant.
Coding change: c.*2518A>G on transcript NM_025136.4 (MANE Select); 2518 bases downstream of the stop codon, A replaced by G.
Molecular consequence: 3 prime UTR variant. On other transcripts: intron variant (1).
Genome position (GRCh38, 1-based): chr19:45,550,996, T>C on the plus strand (A>G on the coding strand, the complement: OPA3 is on the minus strand). VCF-style: chr19-45550996-T-C. GRCh37 (hg19) VCF-style: chr19-46054254-T-C.
Other names: c.143-21540A>G (NM_001017989.3).
Identifiers: ClinVar variation 329639 (VCV000329639.5), dbSNP rs565012397, ClinGen allele CA10652135.